The following is an entry in ClinVar:

NM_133433.4(NIPBL):c.2741C>T (p.Thr914Ile)

Gene: NIPBL (NIPBL cohesin loading factor; plus strand). Cytogenetic location: 5p13.2.
Variant type: single nucleotide variant.
Coding change: c.2741C>T on transcript NM_133433.4 (MANE Select); coding-DNA position 2741, C replaced by T.
Protein change: p.Thr914Ile; replaces threonine 914 with isoleucine.
Molecular consequence: missense variant.
Genome position (GRCh38, 1-based): chr5:36,985,921, C>T. VCF-style: chr5-36985921-C-T. GRCh37 (hg19) VCF-style: chr5-36986023-C-T.
Other names: c.2741C>T, p.Thr914Ile (NM_001438586.1, NM_015384.5); short protein forms T914I.
Identifiers: ClinVar variation 4823163 (VCV004823163.4).

ClinVar aggregate classification (germline): Uncertain significance (1 of 4 stars; one submission).

Submission:

CeGaT Center for Human Genetics Tuebingen
Classification: Uncertain significance. Last evaluated: 2026-02-01. Review status: criteria provided, single submitter. Criteria: CeGaT Center For Human Genetics Tuebingen Variant Classification Criteria Version 2. Collection method: clinical testing. Allele origin: germline. Affected: yes. Observed: 1 variant allele.
Comment: NIPBL: PM2, PS2:Moderate